The following is an entry in ClinVar:

ClinVar aggregate classification (germline): Uncertain significance (1 of 4 stars; one submission).

Conditions:
Atrial fibrillation, familial, 7 (ATFB7). Identifiers: MedGen C2677106, MONDO:0012828, OMIM 612240.

Submission:

Labcorp Genetics (formerly Invitae), Labcorp
Classification: Uncertain significance for Atrial fibrillation, familial, 7. Last evaluated: 2025-08-11. Review status: criteria provided, single submitter. Criteria: Invitae Variant Classification Sherloc (09022015). Collection method: clinical testing. Allele origin: germline.
Comment: This sequence change affects codon 79 of the KCNA5 mRNA. It is a 'silent' change, meaning that it does not change the encoded amino acid sequence of the KCNA5 protein. This variant is present in population databases (rs769421138, gnomAD 0.009%). This variant has not been reported in the literature in individuals affected with KCNA5-related conditions. ClinVar contains an entry for this variant (Variation ID: 3718795). In summary, the available evidence is currently insufficient to determine the role of this variant in disease. Therefore, it has been classified as a Variant of Uncertain Significance.

NM_002234.4(KCNA5):c.237T>G (p.Pro79=)

Gene: KCNA5 (potassium voltage-gated channel subfamily A member 5; plus strand). Cytogenetic location: 12p13.32.
Variant type: single nucleotide variant.
Coding change: c.237T>G on transcript NM_002234.4 (MANE Select); coding-DNA position 237, T replaced by G.
Protein change: p.Pro79=; no amino-acid change (proline 79 retained).
Molecular consequence: synonymous variant.
Genome position (GRCh38, 1-based): chr12:5,044,384, T>G. VCF-style: chr12-5044384-T-G. GRCh37 (hg19) VCF-style: chr12-5153550-T-G.
Identifiers: ClinVar variation 3718795 (VCV003718795.2).